The following is an entry in ClinVar:

NM_002833.4(PTPN9):c.616C>T (p.Leu206=)

Gene: PTPN9 (protein tyrosine phosphatase non-receptor type 9; minus strand). Cytogenetic location: 15q24.2.
Variant type: single nucleotide variant.
Coding change: c.616C>T on transcript NM_002833.4 (MANE Select); coding-DNA position 616, C replaced by T.
Protein change: p.Leu206=; no amino-acid change (leucine 206 retained).
Molecular consequence: synonymous variant.
Genome position (GRCh38, 1-based): chr15:75,508,940, G>A on the plus strand (C>T on the coding strand, the complement: PTPN9 is on the minus strand). VCF-style: chr15-75508940-G-A. GRCh37 (hg19) VCF-style: chr15-75801281-G-A.
Identifiers: ClinVar variation 4084109 (VCV004084109.8).

ClinVar aggregate classification (germline): Likely benign (1 of 4 stars; one submission).

Submission:

CeGaT Center for Human Genetics Tuebingen
Classification: Likely benign. Last evaluated: 2025-08-01. Review status: criteria provided, single submitter. Criteria: CeGaT Center For Human Genetics Tuebingen Variant Classification Criteria Version 2. Collection method: clinical testing. Allele origin: germline. Affected: yes. Observed: 1 variant allele.
Comment: PTPN9: BP4, BP7